The following is an entry in ClinVar:

NM_003105.6(SORL1):c.2408A>G (p.Tyr803Cys)

Genes: SORL1 (sortilin related receptor 1; plus strand), LOC114803469 (SORL1 eExon liver enhancer; plus strand). Cytogenetic location: 11q24.1.
Variant type: single nucleotide variant.
Coding change: c.2408A>G on transcript NM_003105.6 (MANE Select); coding-DNA position 2408, A replaced by G.
Protein change: p.Tyr803Cys; replaces tyrosine 803 with cysteine.
Molecular consequence: missense variant.
Genome position (GRCh38, 1-based): chr11:121,554,078, A>G. VCF-style: chr11-121554078-A-G. GRCh37 (hg19) VCF-style: chr11-121424787-A-G.
Other names: short protein forms Y803C.
Identifiers: ClinVar variation 3605775 (VCV003605775.2).
Genomic context (GRCh38, chr11:121,554,078, plus strand): 5'-CTCTCACCGGGCTACGGGCAGCAGTGGCCCTGGACTTTGACTATGAGCACAACTGTTTGT[A>G]TTGGTCCGACCTGGCCTTGGACGTCATCCAGGTGAGTCAGCGCTTGGTCTGACTGTGGGA-3'
Protein context (NP_003096.2, residues 793-813): LDFDYEHNCL[Tyr803Cys]WSDLALDVIQ

ClinVar aggregate classification (germline): Uncertain significance (1 of 4 stars; one submission).

Submission:

Labcorp Genetics (formerly Invitae), Labcorp
Classification: Uncertain significance. Last evaluated: 2025-01-27. Review status: criteria provided, single submitter. Criteria: Invitae Variant Classification Sherloc (09022015). Collection method: clinical testing. Allele origin: germline.
Comment: This sequence change replaces tyrosine, which is neutral and polar, with cysteine, which is neutral and slightly polar, at codon 803 of the SORL1 protein (p.Tyr803Cys). This variant is not present in population databases (gnomAD no frequency). This variant has not been reported in the literature in individuals affected with SORL1-related conditions. An algorithm developed to predict the effect of missense changes on protein structure and function (PolyPhen-2) suggests that this variant is likely to be disruptive. In summary, the available evidence is currently insufficient to determine the role of this variant in disease. Therefore, it has been classified as a Variant of Uncertain Significance.